The following is an entry in ClinVar:

NM_000070.3(CAPN3):c.581C>G (p.Ser194Cys)

Gene: CAPN3 (calpain 3; plus strand). Cytogenetic location: 15q15.1.
Variant type: single nucleotide variant.
Coding change: c.581C>G on transcript NM_000070.3 (MANE Select); coding-DNA position 581, C replaced by G.
Protein change: p.Ser194Cys; replaces serine 194 with cysteine.
Molecular consequence: missense variant.
Genome position (GRCh38, 1-based): chr15:42,387,835, C>G. VCF-style: chr15-42387835-C-G. GRCh37 (hg19) VCF-style: chr15-42680033-C-G.
Other names: c.581C>G, p.Ser194Cys (NM_024344.2, NM_173087.2); short protein forms S194C.
Identifiers: ClinVar variation 5003255 (VCV005003255.1).
Genomic context (GRCh38, chr15:42,387,835, plus strand): 5'-TGGACGTGGTTATAGATGACTGCCTGCCAACGTACAACAATCAACTGGTTTTCACCAAGT[C>G]CAACCACCGCAATGAGTTCTGGAGTGCTCTGCTGGAGAAGGCTTATGCTAAGTAAGCAAC-3'
Protein context (NP_000061.1, residues 184-204): TYNNQLVFTK[Ser194Cys]NHRNEFWSAL

ClinVar aggregate classification (germline): Uncertain significance (1 of 4 stars; one submission).

Conditions:
Autosomal recessive limb-girdle muscular dystrophy type 2A (LGMDR1). Also called: Muscular dystrophy, limb-girdle, type 2A, Amish; Limb-girdle muscular dystrophy, type 2A; Calpainopathy; LEYDEN-MOEBIUS MUSCULAR DYSTROPHY; MUSCULAR DYSTROPHY, PELVOFEMORAL. Identifiers: Orphanet 267, MedGen C1869123, MONDO:0009675, OMIM 253600. Disease mechanism: loss of function.

Submission:

Myriad Genetics, Inc.
Classification: Uncertain significance for Autosomal recessive limb-girdle muscular dystrophy type 2A. Last evaluated: 2025-12-18. Review status: criteria provided, single submitter. Criteria: Myriad Autosomal Dominant, Autosomal Recessive and X-Linked Classification Criteria (2023). Collection method: clinical testing. Allele origin: unknown.
Comment: NM_000070.2(CAPN3):c.581C>G(S194C) is a missense variant classified as a variant of uncertain significance in the context of calpainopathy. S194C has been observed in a case with relevant disease (PMID: 15689361). Relevant functional assessments of this variant are not available in the literature. S194C has not been observed in referenced population frequency databases. In summary, there is insufficient evidence to classify NM_000070.2(CAPN3):c.581C>G(S194C) as pathogenic or benign. Please note: this variant was assessed in the context of healthy population screening.

Literature cited by the submitters: PubMed 15689361.